The following is an entry in ClinVar:

ClinVar aggregate classification (germline): Uncertain significance (1 of 4 stars; one submission).

Submission:

GeneDx
Classification: Uncertain significance. Last evaluated: 2020-04-28. Review status: criteria provided, single submitter. Criteria: GeneDx Variant Classification Process June 2021. Collection method: clinical testing. Allele origin: germline. Affected: yes.
Comment: Has not been previously published as pathogenic or benign to our knowledge; Not observed in large population cohorts (Lek et al., 2016); Canonical splice site variant predicted to result in aberrant splicing; however, in the absence of RNA/functional studies, the actual effect of this sequence change is unknown; Located in the smooth muscle isoform, where other loss-of-function variants associated with autosomal dominant TAAD and autosomal recessive MMIHS have been reported (Wang et al., 2010; Stenson et al., 2014)

NM_053025.4(MYLK):c.4620-1G>T

Gene: MYLK (myosin light chain kinase; minus strand). Cytogenetic location: 3q21.1.
Variant type: single nucleotide variant.
Coding change: c.4620-1G>T on transcript NM_053025.4 (MANE Select); the canonical splice acceptor site of the intron before coding-DNA position 4620, G replaced by T.
Molecular consequence: splice acceptor variant.
Genome position (GRCh38, 1-based): chr3:123,640,505, C>A on the plus strand (G>T on the coding strand, the complement: MYLK is on the minus strand). VCF-style: chr3-123640505-C-A. GRCh37 (hg19) VCF-style: chr3-123359352-C-A.
Other names: c.4092-1G>T (NM_001321309.2); c.4413-1G>T (NM_053028.4, NM_053026.4); c.4620-1G>T (NM_053027.4).
Identifiers: ClinVar variation 1317278 (VCV001317278.2), dbSNP rs2108112340, ClinGen allele CA354226333.